The following is an entry in ClinVar:

NM_001384140.1(PCDH15):c.3374-2A>G

Gene: PCDH15 (protocadherin related 15; minus strand). Cytogenetic location: 10q21.1.
Variant type: single nucleotide variant.
Coding change: c.3374-2A>G on transcript NM_001384140.1 (MANE Select); the canonical splice acceptor site of the intron before coding-DNA position 3374, A replaced by G.
Molecular consequence: splice acceptor variant.
Genome position (GRCh38, 1-based): chr10:53,903,372, T>C on the plus strand (A>G on the coding strand, the complement: PCDH15 is on the minus strand). VCF-style: chr10-53903372-T-C. GRCh37 (hg19) VCF-style: chr10-55663132-T-C.
Other names: c.3374-2A>G (NM_001142772.2, NM_001142770.3, NM_001142766.2 and 4 more transcripts); c.3389-2A>G (NM_001142771.2, NM_001142763.2); c.3395-2A>G (NM_001354411.2); c.3410-2A>G (NM_001142769.3); c.3308-2A>G (NM_001354404.2, NM_001142773.2, NM_001142768.2); c.3263-2A>G (NM_001142767.2); c.3161-2A>G (NM_001142765.2).
Identifiers: ClinVar variation 2735401 (VCV002735401.3), dbSNP rs369583316, ClinGen allele CA5505681.

ClinVar aggregate classification (germline): Likely pathogenic (1 of 4 stars; one submission).

Allele frequency attached by ClinVar (database versions not stated): TOPMed below 0.00001; ExAC 0.00001; gnomAD 0.00001; ESP Exome Variant Server 0.00008; gnomAD exomes below 0.00001.
gnomAD v4.1: 3 of 1,612,282 alleles (0.00019%); highest among the groups gnomAD compares: Non-Finnish European, 0.00025%; no homozygotes.

Submission:

Labcorp Genetics (formerly Invitae), Labcorp
Classification: Likely pathogenic. Last evaluated: 2023-09-12. Review status: criteria provided, single submitter. Criteria: Invitae Variant Classification Sherloc (09022015). Collection method: clinical testing. Allele origin: germline.
Comment: In summary, the currently available evidence indicates that the variant is pathogenic, but additional data are needed to prove that conclusively. Therefore, this variant has been classified as Likely Pathogenic. Algorithms developed to predict the effect of sequence changes on RNA splicing suggest that this variant may disrupt the consensus splice site. Disruption of this splice site has been observed in individual(s) with deafness (PMID: 28000701). This variant is present in population databases (rs369583316, gnomAD 0.0009%). This sequence change affects an acceptor splice site in intron 25 of the PCDH15 gene. It is expected to disrupt RNA splicing. Variants that disrupt the donor or acceptor splice site typically lead to a loss of protein function (PMID: 16199547), and loss-of-function variants in PCDH15 are known to be pathogenic (PMID: 11398101, 11487575, 14570705).

Literature cited by the submitters: PubMed 28000701; PubMed 16199547; PubMed 11398101; PubMed 11487575; PubMed 14570705.